The following is an entry in ClinVar:

NM_001134888.3(RTL1):c.1260C>T (p.Tyr420=)

Gene: RTL1 (retrotransposon Gag like 1; minus strand). Cytogenetic location: 14q32.2.
Variant type: single nucleotide variant.
Coding change: c.1260C>T on transcript NM_001134888.3 (MANE Select); coding-DNA position 1260, C replaced by T.
Protein change: p.Tyr420=; no amino-acid change (tyrosine 420 retained).
Molecular consequence: synonymous variant.
Genome position (GRCh38, 1-based): chr14:100,883,529, G>A on the plus strand (C>T on the coding strand, the complement: RTL1 is on the minus strand). VCF-style: chr14-100883529-G-A. GRCh37 (hg19) VCF-style: chr14-101349866-G-A.
Other names: c.1260C>T, p.Tyr420= (NM_001425285.1).
Identifiers: ClinVar variation 2644550 (VCV002644550.24), dbSNP rs368128155, ClinGen allele CA7347330.

ClinVar aggregate classification (germline): Likely benign (1 of 4 stars; one submission).

Allele frequency attached by ClinVar (database versions not stated): gnomAD exomes 0.00001; 1000 Genomes Project 30x 0.00016; 1000 Genomes Project 0.00020; ExAC 0.00021; ESP Exome Variant Server 0.00022; gnomAD 0.00023; TOPMed 0.00023.
gnomAD v4.1: 50 of 1,551,550 alleles (0.0032%); highest among the groups gnomAD compares: African/African-American, 0.063%; no homozygotes.

Submission:

CeGaT Center for Human Genetics Tuebingen
Classification: Likely benign. Last evaluated: 2023-09-01. Review status: criteria provided, single submitter. Criteria: CeGaT Center For Human Genetics Tuebingen Variant Classification Criteria Version 2. Collection method: clinical testing. Allele origin: germline. Affected: yes. Observed: 1 variant allele.
Comment: RTL1: BP4, BP7